The following is an entry in ClinVar:

ClinVar aggregate classification (germline): Uncertain significance (1 of 4 stars; one submission).

Conditions:
Periodic fever-infantile enterocolitis-autoinflammatory syndrome. Also called: Autoinflammation with infantile enterocolitis. Identifiers: Orphanet 436166, MedGen C4015067, MONDO:0014472, OMIM 616050.
Familial cold autoinflammatory syndrome 4 (FCAS4). Identifiers: Orphanet 47045, Orphanet 576349, MedGen C4015276, MONDO:0014498, OMIM 616115.

Submission:

Labcorp Genetics (formerly Invitae), Labcorp
Classification: Uncertain significance for Periodic fever-infantile enterocolitis-autoinflammatory syndrome; Familial cold autoinflammatory syndrome 4. Last evaluated: 2022-03-23. Review status: criteria provided, single submitter. Criteria: Invitae Variant Classification Sherloc (09022015). Collection method: clinical testing. Allele origin: germline.
Comment: In summary, the available evidence is currently insufficient to determine the role of this variant in disease. Therefore, it has been classified as a Variant of Uncertain Significance. Experimental studies and prediction algorithms are not available or were not evaluated, and the functional significance of this variant is currently unknown. This variant has not been reported in the literature in individuals affected with NLRC4-related conditions. This variant is a gross deletion of the genomic region encompassing exon(s) 5-7 of the NLRC4 gene. This variant would be expected to be in-frame, preserving the integrity of the reading frame.

NC_000002.11:g.(?_32461296)_(32466214_?)del

Gene: NLRC4 (NLR family CARD domain containing 4; minus strand). Cytogenetic location: 2p22.3.
Variant type: Deletion.
Identifiers: ClinVar variation 2426676 (VCV002426676.3).